The following is an entry in ClinVar:

ClinVar aggregate classification (germline): Uncertain significance (1 of 4 stars; one submission).

Conditions:
Platelet-type bleeding disorder 16 (BDPLT16). Also called: Bleeding disorder, platelet-type, 16, autosomal dominant. Identifiers: Orphanet 140957, MedGen C5442010, MONDO:0008552, OMIM 187800.

Submission:

ISTH-SSC Genomics in Thrombosis and Hemostasis, KU Leuven, Center for Molecular and Vascular Biology
Classification: Uncertain significance for Platelet-type bleeding disorder 16. Review status: criteria provided, single submitter. Criteria: ACMG Guidelines, 2015. Collection method: clinical testing. Allele origin: germline. Affected: yes. Observed: 1 heterozygote.
Comment: Submitted to GoldVariant by Jose María Bastida and José Rivera; Grupo Español de Alteraciones Plaquetarias Congénitas (GEAPC)

NM_000419.5(ITGA2B):c.1558A>C (p.Met520Leu)

Gene: ITGA2B (integrin subunit alpha 2b; minus strand). Cytogenetic location: 17q21.31.
Variant type: single nucleotide variant.
Coding change: c.1558A>C on transcript NM_000419.5 (MANE Select); coding-DNA position 1558, A replaced by C.
Protein change: p.Met520Leu; replaces methionine 520 with leucine.
Molecular consequence: missense variant.
Genome position (GRCh38, 1-based): chr17:44,380,288, T>G on the plus strand (A>C on the coding strand, the complement: ITGA2B is on the minus strand). VCF-style: chr17-44380288-T-G. GRCh37 (hg19) VCF-style: chr17-42457656-T-G.
Other names: short protein forms M520L.
Identifiers: ClinVar variation 1703871 (VCV001703871.2), dbSNP rs762055902, ClinGen allele CA399802551.